The following is an entry in ClinVar:

NM_005787.6(ALG3):c.24C>T (p.Arg8=)

Gene: ALG3 (ALG3 alpha-1,3- mannosyltransferase; minus strand). Cytogenetic location: 3q27.1.
Variant type: single nucleotide variant.
Coding change: c.24C>T on transcript NM_005787.6 (MANE Select); coding-DNA position 24, C replaced by T.
Protein change: p.Arg8=; no amino-acid change (arginine 8 retained).
Molecular consequence: synonymous variant. On other transcripts: non-coding transcript variant (2), intron variant (1).
Genome position (GRCh38, 1-based): chr3:184,248,917, G>A on the plus strand (C>T on the coding strand, the complement: ALG3 is on the minus strand). VCF-style: chr3-184248917-G-A. GRCh37 (hg19) VCF-style: chr3-183966705-G-A.
Other names: c.52+309C>T (NM_001006941.2).
Identifiers: ClinVar variation 390417 (VCV000390417.1), dbSNP rs746428888, ClinGen allele CA2729678.

ClinVar aggregate classification (germline): Likely benign (1 of 4 stars; one submission).

Allele frequency attached by ClinVar (database versions not stated): ExAC 0.00014; gnomAD exomes 0.00008.

Submission:

GeneDx
Classification: Likely benign. Last evaluated: 2016-11-11. Review status: criteria provided, single submitter. Criteria: GeneDx Variant Classification (06012015). Collection method: clinical testing. Allele origin: germline. Affected: yes.
Comment: This variant is considered likely benign or benign based on one or more of the following criteria: it is a conservative change, it occurs at a poorly conserved position in the protein, it is predicted to be benign by multiple in silico algorithms, and/or has population frequency not consistent with disease.